The following is an entry in ClinVar:

NM_006302.3(MOGS):c.1976C>T (p.Thr659Ile)

Gene: MOGS (mannosyl-oligosaccharide glucosidase; minus strand). Cytogenetic location: 2p13.1.
Variant type: single nucleotide variant.
Coding change: c.1976C>T on transcript NM_006302.3 (MANE Select); coding-DNA position 1976, C replaced by T.
Protein change: p.Thr659Ile; replaces threonine 659 with isoleucine.
Molecular consequence: missense variant.
Genome position (GRCh38, 1-based): chr2:74,461,813, G>A on the plus strand (C>T on the coding strand, the complement: MOGS is on the minus strand). VCF-style: chr2-74461813-G-A. GRCh37 (hg19) VCF-style: chr2-74688940-G-A.
Other names: c.1658C>T, p.Thr553Ile (NM_001146158.2); c.1976C>T (NM_006302.2); short protein forms T553I, T659I.
Identifiers: ClinVar variation 1901281 (VCV001901281.3), dbSNP rs777225459, ClinGen allele CA1724686.
Genomic context (GRCh38, chr2:74,461,813, plus strand): 5'-GGCCGACCCACCACCCGAACGAGCCCCTGAGGGGGCCTGGGCTTCAGCTGTACTGCTTTT[G>A]TGTGGTTCCCAAAGTCTGCAAAGACTCCTAGCTCTGGGGCCCAGTGCAGCTCATCCAGGC-3'
Protein context (NP_006293.2, residues 649-669): LGVFADFGNH[Thr659Ile]KAVQLKPRPP

ClinVar aggregate classification (germline): Uncertain significance. Review status: criteria provided, multiple submitters, no conflicts (2 of 4 stars). 2 submissions from 2 submitters: Uncertain significance (2). Last evaluated 2025-01-17.

Conditions:
Inborn genetic diseases. Identifiers: MedGen C0950123, MeSH D030342.
MOGS-congenital disorder of glycosylation. Also called: CDG IIb; CDG 2B; GLUCOSIDASE I DEFICIENCY; MOGS-CDG. Identifiers: Orphanet 79330, MedGen C1853736, MONDO:0011629, OMIM 606056.

Allele frequency attached by ClinVar (database versions not stated): ExAC 0.00001; gnomAD 0.00001; gnomAD exomes 0.00001; TOPMed 0.00001.

Submissions (2):

Ambry Genetics
Classification: Uncertain significance for Inborn genetic diseases. Last evaluated: 2025-01-17. Review status: criteria provided, single submitter. Criteria: Ambry Variant Classification Scheme 2023. Collection method: clinical testing. Allele origin: germline.

Labcorp Genetics (formerly Invitae), Labcorp
Classification: Uncertain significance for MOGS-congenital disorder of glycosylation. Last evaluated: 2022-09-27. Review status: criteria provided, single submitter. Criteria: Invitae Variant Classification Sherloc (09022015). Collection method: clinical testing. Allele origin: germline.
Comment: This sequence change replaces threonine, which is neutral and polar, with isoleucine, which is neutral and non-polar, at codon 659 of the MOGS protein (p.Thr659Ile). This variant is present in population databases (rs777225459, gnomAD 0.009%). This variant has not been reported in the literature in individuals affected with MOGS-related conditions. Algorithms developed to predict the effect of missense changes on protein structure and function are either unavailable or do not agree on the potential impact of this missense change (SIFT: "Deleterious"; PolyPhen-2: "Probably Damaging"; Align-GVGD: "Class C15"). In summary, the available evidence is currently insufficient to determine the role of this variant in disease. Therefore, it has been classified as a Variant of Uncertain Significance.